The following is an entry in ClinVar:

ClinVar aggregate classification (germline): Conflicting classifications of pathogenicity. Review status: criteria provided, conflicting classifications (1 of 4 stars). 2 submissions from 2 submitters: Uncertain significance (1); Benign (1). Last evaluated 2024-02-01.

Allele frequency attached by ClinVar (database versions not stated): TOPMed below 0.00001.

Submissions (2):

CeGaT Center for Human Genetics Tuebingen
Classification: Uncertain significance. Last evaluated: 2024-02-01. Review status: criteria provided, single submitter. Criteria: CeGaT Center For Human Genetics Tuebingen Variant Classification Criteria Version 2. Collection method: clinical testing. Allele origin: germline. Affected: yes. Observed: 1 variant allele.
Comment: MTOR: PM2, PP3, PS2:Supporting

Labcorp Genetics (formerly Invitae), Labcorp
Classification: Benign. Last evaluated: 2023-10-13. Review status: criteria provided, single submitter. Criteria: Invitae Variant Classification Sherloc (09022015). Collection method: clinical testing. Allele origin: germline.

NM_004958.4(MTOR):c.3901C>T (p.Arg1301Cys)

Gene: MTOR (mechanistic target of rapamycin kinase; minus strand). Cytogenetic location: 1p36.22.
Variant type: single nucleotide variant.
Coding change: c.3901C>T on transcript NM_004958.4 (MANE Select); coding-DNA position 3901, C replaced by T.
Protein change: p.Arg1301Cys; replaces arginine 1301 with cysteine.
Molecular consequence: missense variant.
Genome position (GRCh38, 1-based): chr1:11,204,604, G>A on the plus strand (C>T on the coding strand, the complement: MTOR is on the minus strand). VCF-style: chr1-11204604-G-A. GRCh37 (hg19) VCF-style: chr1-11264661-G-A.
Other names: c.3901C>T, p.Arg1301Cys (NM_001386500.1); c.2653C>T, p.Arg885Cys (NM_001386501.1); short protein forms R1301C, R885C.
Identifiers: ClinVar variation 1059520 (VCV001059520.29), dbSNP rs1646080085, ClinGen allele CA338393451.